The following is an entry in ClinVar:

NM_016373.4(WWOX):c.891G>T (p.Lys297Asn)

Gene: WWOX (WW domain containing oxidoreductase; plus strand). Cytogenetic location: 16q23.1.
Variant type: single nucleotide variant.
Coding change: c.891G>T on transcript NM_016373.4 (MANE Select); coding-DNA position 891, G replaced by T.
Protein change: p.Lys297Asn; replaces lysine 297 with asparagine.
Molecular consequence: missense variant.
Genome position (GRCh38, 1-based): chr16:78,432,587, G>T. VCF-style: chr16-78432587-G-T. GRCh37 (hg19) VCF-style: chr16-78466484-G-T.
Other names: c.552G>T, p.Lys184Asn (NM_001291997.2); short protein forms K184N, K297N.
Identifiers: ClinVar variation 4791102 (VCV004791102.1).

ClinVar aggregate classification (germline): Uncertain significance (1 of 4 stars; one submission).

Conditions:
Autosomal recessive spinocerebellar ataxia 12. Also called: SPINOCEREBELLAR ATAXIA WITH MENTAL RETARDATION AND EPILEPSY. Identifiers: Orphanet 284282, MedGen C3280452, MONDO:0013687, OMIM 614322.
Developmental and epileptic encephalopathy, 1 (DEE1). Also called: X-linked infantile spasms; West's syndrome; Tonic spasms with clustering, arrest of psychomotor development and hypsarrhythmia on EEG; X-Linked Infantile Spasm Syndrome; OHTAHARA SYNDROME, X-LINKED; INFANTILE SPASM SYNDROME, X-LINKED 1. Identifiers: MedGen C3463992, MONDO:0010632, OMIM 308350. Disease mechanism: loss of function.

gnomAD v4.1: 2 of 1,614,068 alleles (0.00012%); highest among the groups gnomAD compares: African/African-American, 0.0027%; no homozygotes.

Submission:

Labcorp Genetics (formerly Invitae), Labcorp
Classification: Uncertain significance for Developmental and epileptic encephalopathy, 1; Autosomal recessive spinocerebellar ataxia 12. Last evaluated: 2025-09-19. Review status: criteria provided, single submitter. Criteria: Invitae Variant Classification Sherloc (09022015). Collection method: clinical testing. Allele origin: germline.
Comment: This sequence change replaces lysine, which is basic and polar, with asparagine, which is neutral and polar, at codon 297 of the WWOX protein (p.Lys297Asn). This variant is not present in population databases (gnomAD no frequency). This variant has not been reported in the literature in individuals affected with WWOX-related conditions. Invitae Evidence Modeling of protein sequence and biophysical properties (such as structural, functional, and spatial information, amino acid conservation, physicochemical variation, residue mobility, and thermodynamic stability) indicates that this missense variant is expected to disrupt WWOX protein function with a positive predictive value of 80%. In summary, the available evidence is currently insufficient to determine the role of this variant in disease. Therefore, it has been classified as a Variant of Uncertain Significance.